The following is an entry in ClinVar:

ClinVar aggregate classification (germline): Uncertain significance (1 of 4 stars; one submission).

Conditions:
Familial acute necrotizing encephalopathy (IIAE3). Also called: ENCEPHALOPATHY, ACUTE, INFECTION-INDUCED, SUSCEPTIBILITY TO, 3; Susceptibility to Acute Necrotizing Encephalopathy 1. Identifiers: Orphanet 88619, MedGen C2675556, MONDO:0011953, OMIM 608033.

Submission:

Labcorp Genetics (formerly Invitae), Labcorp
Classification: Uncertain significance for Familial acute necrotizing encephalopathy. Last evaluated: 2025-08-23. Review status: criteria provided, single submitter. Criteria: Invitae Variant Classification Sherloc (09022015). Collection method: clinical testing. Allele origin: germline.
Comment: This sequence change replaces threonine, which is neutral and polar, with alanine, which is neutral and non-polar, at codon 585 of the RANBP2 protein (p.Thr585Ala). This variant is not present in population databases (gnomAD no frequency). This variant has not been reported in the literature in individuals affected with RANBP2-related conditions. An algorithm developed to predict the effect of missense changes on protein structure and function (PolyPhen-2) suggests that this variant is likely to be tolerated. This variant disrupts the p.Thr585 amino acid residue in RANBP2. Other variant(s) that disrupt this residue have been determined to be pathogenic (PMID: 19118815, 19811512, 25128471, 25522933). This suggests that this residue is clinically significant, and that variants that disrupt this residue are likely to be disease-causing. In summary, the available evidence is currently insufficient to determine the role of this variant in disease. Therefore, it has been classified as a Variant of Uncertain Significance.

Literature cited by the submitters: PubMed 19118815; PubMed 19811512; PubMed 25128471; PubMed 25522933.

NM_006267.5(RANBP2):c.1753A>G (p.Thr585Ala)

Gene: RANBP2 (RAN binding protein 2; plus strand). Cytogenetic location: 2q13.
Variant type: single nucleotide variant.
Coding change: c.1753A>G on transcript NM_006267.5 (MANE Select); coding-DNA position 1753, A replaced by G.
Protein change: p.Thr585Ala; replaces threonine 585 with alanine.
Molecular consequence: missense variant.
Genome position (GRCh38, 1-based): chr2:108,751,992, A>G. VCF-style: chr2-108751992-A-G. GRCh37 (hg19) VCF-style: chr2-109368448-A-G.
Other names: c.1753A>G, p.Thr585Ala (NM_001415871.1, NM_001415873.1); c.1750A>G, p.Thr584Ala (NM_001415872.1); short protein forms T585A, T584A.
Identifiers: ClinVar variation 4724724 (VCV004724724.1).